The following is an entry in ClinVar:

ClinVar aggregate classification (germline): Uncertain significance. Review status: criteria provided, multiple submitters, no conflicts (2 of 4 stars). 2 submissions from 2 submitters: Uncertain significance (2). Last evaluated 2025-06-17.

Conditions:
Inborn genetic diseases. Identifiers: MedGen C0950123, MeSH D030342.

Allele frequency attached by ClinVar (database versions not stated): ExAC 0.00003; TOPMed 0.00005; ESP Exome Variant Server 0.00008; gnomAD 0.00008; 1000 Genomes Project 30x 0.00031; 1000 Genomes Project 0.00040.
gnomAD v4.1: 26 of 1,613,866 alleles (0.0016%); highest among the groups gnomAD compares: African/African-American, 0.017%; no homozygotes.

Submissions (2):

Ambry Genetics
Classification: Uncertain significance for Inborn genetic diseases. Last evaluated: 2025-06-17. Review status: criteria provided, single submitter. Criteria: Ambry Variant Classification Scheme 2023. Collection method: clinical testing. Allele origin: germline.

Labcorp Genetics (formerly Invitae), Labcorp
Classification: Uncertain significance. Last evaluated: 2022-05-03. Review status: criteria provided, single submitter. Criteria: Invitae Variant Classification Sherloc (09022015). Collection method: clinical testing. Allele origin: germline.
Comment: This sequence change replaces asparagine, which is neutral and polar, with serine, which is neutral and polar, at codon 558 of the ORC1 protein (p.Asn558Ser). This variant is present in population databases (rs199879890, gnomAD 0.01%). This variant has not been reported in the literature in individuals affected with ORC1-related conditions. Algorithms developed to predict the effect of missense changes on protein structure and function (SIFT, PolyPhen-2, Align-GVGD) all suggest that this variant is likely to be tolerated. In summary, the available evidence is currently insufficient to determine the role of this variant in disease. Therefore, it has been classified as a Variant of Uncertain Significance.

NM_004153.4(ORC1):c.1673A>G (p.Asn558Ser)

Gene: ORC1 (origin recognition complex subunit 1; minus strand). Cytogenetic location: 1p32.3.
Variant type: single nucleotide variant.
Coding change: c.1673A>G on transcript NM_004153.4 (MANE Select); coding-DNA position 1673, A replaced by G.
Protein change: p.Asn558Ser; replaces asparagine 558 with serine.
Molecular consequence: missense variant.
Genome position (GRCh38, 1-based): chr1:52,384,632, T>C on the plus strand (A>G on the coding strand, the complement: ORC1 is on the minus strand). VCF-style: chr1-52384632-T-C. GRCh37 (hg19) VCF-style: chr1-52850304-T-C.
Other names: c.1673A>G, p.Asn558Ser (NM_001190818.2); c.1658A>G, p.Asn553Ser (NM_001190819.2); c.1673A>G (NM_004153.3); short protein forms N558S, N553S.
Identifiers: ClinVar variation 1916500 (VCV001916500.3), dbSNP rs199879890, ClinGen allele CA853245.